The following is an entry in ClinVar:

ClinVar aggregate classification (germline): Conflicting classifications of pathogenicity. Review status: criteria provided, conflicting classifications (1 of 4 stars). 6 submissions from 6 submitters: Uncertain significance (3); Likely benign (3). Last evaluated 2025-10-11.

Conditions:
Hereditary cancer-predisposing syndrome. Also called: Hereditary Cancer Syndrome; Neoplastic Syndromes, Hereditary; Hereditary neoplastic syndrome; Tumor predisposition. Identifiers: Orphanet 140162, MedGen C0027672, MeSH D009386, MONDO:0015356.
Hereditary breast ovarian cancer syndrome. Also called: BRCA1- and BRCA2-Associated Hereditary Breast and Ovarian Cancer; Hereditary breast and ovarian cancer syndrome; Hereditary breast and/or ovarian cancer syndrome; Breast and ovarian cancer; Hereditary breast and ovarian cancer; Hereditary breast and ovarian cancer syndrome (HBOC). Identifiers: Orphanet 145, MedGen C0677776, MeSH D061325, MONDO:0003582. Disease mechanism: loss of function.
Familial cancer of breast. Also called: BREAST CANCER, FAMILIAL; Hereditary breast cancer; hereditary breast carcinoma. Identifiers: Orphanet 227535, MedGen C0346153, MONDO:0016419, OMIM 114480. Disease mechanism: loss of function.

Submissions (6):

Labcorp Genetics (formerly Invitae), Labcorp
Classification: Uncertain significance for Hereditary breast ovarian cancer syndrome. Last evaluated: 2025-10-11. Review status: criteria provided, single submitter. Criteria: Invitae Variant Classification Sherloc (09022015). Collection method: clinical testing. Allele origin: germline.
Comment: This sequence change replaces asparagine, which is neutral and polar, with lysine, which is basic and polar, at codon 2048 of the BRCA2 protein (p.Asn2048Lys). This variant is not present in population databases (gnomAD no frequency). This variant has not been reported in the literature in individuals affected with BRCA2-related conditions. ClinVar contains an entry for this variant (Variation ID: 142862). Invitae Evidence Modeling of protein sequence and biophysical properties (such as structural, functional, and spatial information, amino acid conservation, physicochemical variation, residue mobility, and thermodynamic stability) indicates that this missense variant is not expected to disrupt BRCA2 protein function with a negative predictive value of 95%. In summary, the available evidence is currently insufficient to determine the role of this variant in disease. Therefore, it has been classified as a Variant of Uncertain Significance.

GeneDx
Classification: Uncertain significance. Last evaluated: 2025-02-09. Review status: criteria provided, single submitter. Criteria: GeneDx Variant Classification Process June 2021. Collection method: clinical testing. Allele origin: germline. Affected: yes.
Comment: Not observed at significant frequency in large population cohorts (gnomAD); In silico analysis supports that this missense variant has a deleterious effect on protein structure/function; Has not been previously published as pathogenic or benign to our knowledge; Also known as 6372T>G

Ambry Genetics
Classification: Likely benign for Hereditary cancer-predisposing syndrome. Last evaluated: 2024-12-31. Review status: criteria provided, single submitter. Criteria: Ambry Variant Classification Scheme 2023. Collection method: clinical testing. Allele origin: germline.

MGZ Medical Genetics Center
Classification: Likely benign for Familial cancer of breast. Last evaluated: 2024-02-09. Review status: criteria provided, single submitter. Criteria: CSpec BRCA1/2ACMG Rules Specifications V1.1.0. Collection method: clinical testing. Allele origin: germline. Affected: yes.
Comment: ACMG codes applied following ENIGMA VCEP rules: BP1_STR, PM2_SUP

University of Washington Department of Laboratory Medicine, University of Washington
Classification: Likely benign for Hereditary cancer-predisposing syndrome. Last evaluated: 2023-03-23. Review status: criteria provided, single submitter. Criteria: Dines et al. (Genet Med. 2020). Collection method: curation. Allele origin: germline.
Comment: Missense variant in a coldspot region where missense variants are very unlikely to be pathogenic (PMID:31911673).

BRCA2 exon 11 coldspot. Reclassification based on statistical prior probability.

Color Diagnostics, LLC DBA Color Health
Classification: Uncertain significance for Hereditary cancer-predisposing syndrome. Last evaluated: 2019-05-23. Review status: criteria provided, single submitter. Criteria: ACMG Guidelines, 2015. Collection method: clinical testing. Allele origin: germline.

NM_000059.4(BRCA2):c.6144T>G (p.Asn2048Lys)

Gene: BRCA2 (BRCA2 DNA repair associated; plus strand). Cytogenetic location: 13q13.1.
Variant type: single nucleotide variant.
Coding change: c.6144T>G on transcript NM_000059.4 (MANE Select); coding-DNA position 6144, T replaced by G.
Protein change: p.Asn2048Lys; replaces asparagine 2048 with lysine.
Molecular consequence: missense variant.
Genome position (GRCh38, 1-based): chr13:32,340,499, T>G. VCF-style: chr13-32340499-T-G. GRCh37 (hg19) VCF-style: chr13-32914636-T-G.
Other names: short protein forms N2048K.
Identifiers: ClinVar variation 142862 (VCV000142862.21), dbSNP rs587782775, ClinGen allele CA023696.
Genomic context (GRCh38, chr13:32,340,499, plus strand): 5'-AGAAAATACTGCTATACGTACTCCAGAACATTTAATATCCCAAAAAGGCTTTTCATATAA[T>G]GTGGTAAATTCATCTGCTTTCTCTGGATTTAGTACAGCAAGTGGAAAGCAAGTTTCCATT-3'
Protein context (NP_000050.3, residues 2038-2058): HLISQKGFSY[Asn2048Lys]VVNSSAFSGF